The following is an entry in ClinVar:

ClinVar aggregate classification (germline): Uncertain significance (1 of 4 stars; one submission).

Submission:

Labcorp Genetics (formerly Invitae), Labcorp
Classification: Uncertain significance. Last evaluated: 2021-06-14. Review status: criteria provided, single submitter. Criteria: Invitae Variant Classification Sherloc (09022015). Collection method: clinical testing. Allele origin: germline.
Comment: In summary, the available evidence is currently insufficient to determine the role of this variant in disease. Therefore, it has been classified as a Variant of Uncertain Significance. Experimental studies and prediction algorithms are not available or were not evaluated, and the functional significance of this variant is currently unknown. This variant has not been reported in the literature in individuals with PPA2-related conditions. This variant is a gross deletion of the genomic region encompassing exon(s) 3-6 of the PPA2 gene. This variant would be expected to be in-frame, preserving the integrity of the reading frame.

NC_000004.11:g.(?_106359087)_(106374819_?)del

Gene: PPA2 (inorganic pyrophosphatase 2; minus strand). Cytogenetic location: 4q24.
Variant type: Deletion.
Identifiers: ClinVar variation 1441885 (VCV001441885.6).